The following is an entry in ClinVar:

NM_003612.5(SEMA7A):c.1545A>T (p.Gln515His)

Gene: SEMA7A (semaphorin 7A (JohnMiltonHagen blood group); minus strand). Cytogenetic location: 15q24.1.
Variant type: single nucleotide variant.
Coding change: c.1545A>T on transcript NM_003612.5 (MANE Select); coding-DNA position 1545, A replaced by T.
Protein change: p.Gln515His; replaces glutamine 515 with histidine.
Molecular consequence: missense variant.
Genome position (GRCh38, 1-based): chr15:74,411,588, T>A on the plus strand (A>T on the coding strand, the complement: SEMA7A is on the minus strand). VCF-style: chr15-74411588-T-A. GRCh37 (hg19) VCF-style: chr15-74703929-T-A.
Other names: c.1503A>T, p.Gln501His (NM_001146029.3); c.1050A>T, p.Gln350His (NM_001146030.3); short protein forms Q350H, Q501H, Q515H.
Identifiers: ClinVar variation 4979992 (VCV004979992.1).

ClinVar aggregate classification (germline): Likely benign (1 of 4 stars; one submission).

Conditions:
SEMA7A-related disorder. Also called: SEMA7A-related condition.

gnomAD v4.1: 169 of 1,588,376 alleles (0.011%); highest among the groups gnomAD compares: African/African-American, 0.22%; no homozygotes.

Submission:

PreventionGenetics, part of Exact Sciences
Classification: Likely benign for SEMA7A-related condition. Last evaluated: 2026-03-03. Review status: criteria provided, single submitter. Criteria: ACMG Guidelines, 2015. Collection method: clinical testing. Allele origin: germline.
Comment: This variant is classified as likely benign based on ACMG/AMP sequence variant interpretation guidelines (Richards et al. 2015 PMID: 25741868, with internal and published modifications).